The following is an entry in ClinVar:

ClinVar aggregate classification (germline): Uncertain significance (1 of 4 stars; one submission).

Conditions:
Multiple congenital exostosis (EXT). Also called: Hereditary multiple exostoses; Hereditary multiple exostosis; MULTIPLE CARTILAGINOUS EXOSTOSES; Multiple osteochondromas; Hereditary multiple osteochondromas; Multiple exostoses. Identifiers: Orphanet 321, MedGen C0015306, MONDO:0005508, HP:0002762.

Allele frequency attached by ClinVar (database versions not stated): gnomAD exomes below 0.00001.
gnomAD v4.1: 2 of 1,614,132 alleles (0.00012%); highest among the groups gnomAD compares: Non-Finnish European, 0.00017%; no homozygotes.

Submission:

Labcorp Genetics (formerly Invitae), Labcorp
Classification: Uncertain significance for Multiple congenital exostosis. Last evaluated: 2023-09-26. Review status: criteria provided, single submitter. Criteria: Invitae Variant Classification Sherloc (09022015). Collection method: clinical testing. Allele origin: germline.
Comment: This sequence change replaces tryptophan, which is neutral and slightly polar, with leucine, which is neutral and non-polar, at codon 364 of the EXT1 protein (p.Trp364Leu). This variant is not present in population databases (gnomAD no frequency). This variant has not been reported in the literature in individuals affected with EXT1-related conditions. Advanced modeling of protein sequence and biophysical properties (such as structural, functional, and spatial information, amino acid conservation, physicochemical variation, residue mobility, and thermodynamic stability) performed at Invitae indicates that this missense variant is not expected to disrupt EXT1 protein function. In summary, the available evidence is currently insufficient to determine the role of this variant in disease. Therefore, it has been classified as a Variant of Uncertain Significance.

NM_000127.3(EXT1):c.1091G>T (p.Trp364Leu)

Gene: EXT1 (exostosin glycosyltransferase 1; minus strand). Cytogenetic location: 8q24.11.
Variant type: single nucleotide variant.
Coding change: c.1091G>T on transcript NM_000127.3 (MANE Select); coding-DNA position 1091, G replaced by T.
Protein change: p.Trp364Leu; replaces tryptophan 364 with leucine.
Molecular consequence: missense variant.
Genome position (GRCh38, 1-based): chr8:117,835,517, C>A on the plus strand (G>T on the coding strand, the complement: EXT1 is on the minus strand). VCF-style: chr8-117835517-C-A. GRCh37 (hg19) VCF-style: chr8-118847756-C-A.
Other names: short protein forms W364L.
Identifiers: ClinVar variation 2882267 (VCV002882267.3), dbSNP rs2488132886, ClinGen allele CA371892563.